The following is an entry in ClinVar:

NM_002907.4(RECQL):c.898T>A (p.Phe300Ile)

Gene: RECQL (RecQ like helicase; minus strand). Cytogenetic location: 12p12.1.
Variant type: single nucleotide variant.
Coding change: c.898T>A on transcript NM_002907.4 (MANE Select); coding-DNA position 898, T replaced by A.
Protein change: p.Phe300Ile; replaces phenylalanine 300 with isoleucine.
Molecular consequence: missense variant.
Genome position (GRCh38, 1-based): chr12:21,476,962, A>T on the plus strand (T>A on the coding strand, the complement: RECQL is on the minus strand). VCF-style: chr12-21476962-A-T. GRCh37 (hg19) VCF-style: chr12-21629896-A-T.
Other names: c.898T>A, p.Phe300Ile (NM_032941.3); short protein forms F300I.
Identifiers: ClinVar variation 847908 (VCV000847908.20), dbSNP rs142858580, ClinGen allele CA6478923.

ClinVar aggregate classification (germline): Uncertain significance. Review status: criteria provided, multiple submitters, no conflicts (2 of 4 stars). 4 submissions from 4 submitters: Uncertain significance (4). Last evaluated 2025-10-27.

Allele frequency attached by ClinVar (database versions not stated): gnomAD 0.00008 and 0.00009; TOPMed 0.00011; gnomAD exomes 0.00012; ExAC 0.00017; ESP Exome Variant Server 0.00031.
gnomAD v4.1: 176 of 1,610,292 alleles (0.011%); highest among the groups gnomAD compares: Non-Finnish European, 0.014%; no homozygotes.

Submissions (4):

Labcorp Genetics (formerly Invitae), Labcorp
Classification: Uncertain significance. Last evaluated: 2025-10-27. Review status: criteria provided, single submitter. Criteria: Invitae Variant Classification Sherloc (09022015). Collection method: clinical testing. Allele origin: germline.
Comment: This sequence change replaces phenylalanine, which is neutral and non-polar, with isoleucine, which is neutral and non-polar, at codon 300 of the RECQL protein (p.Phe300Ile). This variant is present in population databases (rs142858580, gnomAD 0.02%). This variant has not been reported in the literature in individuals affected with RECQL-related conditions. ClinVar contains an entry for this variant (Variation ID: 847908). Invitae Evidence Modeling of protein sequence and biophysical properties (such as structural, functional, and spatial information, amino acid conservation, physicochemical variation, residue mobility, and thermodynamic stability) indicates that this missense variant is not expected to disrupt RECQL protein function with a negative predictive value of 80%. In summary, the available evidence is currently insufficient to determine the role of this variant in disease. Therefore, it has been classified as a Variant of Uncertain Significance.

Quest Diagnostics Nichols Institute San Juan Capistrano
Classification: Uncertain significance. Last evaluated: 2025-07-16. Review status: criteria provided, single submitter. Criteria: Quest Diagnostics criteria. Collection method: clinical testing. Allele origin: unknown.
Comment: The RECQL c.898T>A (p.Phe300Ile) variant has been reported in the published literature in individuals with breast cancer (PMID: 33342430 (2020), 33471991 (2021), see also LOVD) and ovarian cancer (PMID: 32546565 (2021)). This variant has also been identified in reportedly unaffected individuals (PMID: 33471991 (2021), see also LOVD, 32546565 (2021)). The frequency of this variant in the general population (Genome Aggregation Database) is higher than would generally be expected for pathogenic variants in this gene. Analysis of this variant using bioinformatics tools for the prediction of the effect of amino acid changes on protein structure and function yielded predictions that this variant is benign. Based on the available information, we are unable to determine the clinical significance of this variant.

GeneDx
Classification: Uncertain significance. Last evaluated: 2025-06-10. Review status: criteria provided, single submitter. Criteria: GeneDx Variant Classification Process June 2021. Collection method: clinical testing. Allele origin: germline. Affected: yes.
Comment: Observed in individuals with breast cancer and also in unaffected controls (PMID: 25915596, 33471991); In silico analysis supports that this missense variant does not alter protein structure/function; Variants in candidate genes are classified as variants of uncertain significance in accordance with ACMG guidelines (Richards et al., 2015); This variant is associated with the following publications: (PMID: 33471991, 27248010, 19151156, 25915596)

Ambry Genetics
Classification: Uncertain significance. Last evaluated: 2024-08-04. Review status: criteria provided, single submitter. Criteria: Ambry Variant Classification Scheme 2023. Collection method: clinical testing. Allele origin: germline.

Literature cited by the submitters: PubMed 33342430 (cited by Quest Diagnostics Nichols Institute San Juan Capistrano); PubMed 32546565 (cited by Quest Diagnostics Nichols Institute San Juan Capistrano); PubMed 33471991 (cited by Quest Diagnostics Nichols Institute San Juan Capistrano).